The following is an entry in ClinVar:

ClinVar aggregate classification (germline): Likely benign. Review status: criteria provided, multiple submitters, no conflicts (2 of 4 stars). 2 submissions from 2 submitters: Likely benign (2). Last evaluated 2023-05-23.

Allele frequency attached by ClinVar (database versions not stated): TOPMed below 0.00001.
gnomAD v4.1: 6 of 1,547,302 alleles (0.00039%); highest among the groups gnomAD compares: Non-Finnish European, 0.00035%; no homozygotes.

Submissions (2):

Labcorp Genetics (formerly Invitae), Labcorp
Classification: Likely benign. Last evaluated: 2023-05-23. Review status: criteria provided, single submitter. Criteria: Invitae Variant Classification Sherloc (09022015). Collection method: clinical testing. Allele origin: germline.

CeGaT Center for Human Genetics Tuebingen
Classification: Likely benign. Last evaluated: 2023-01-01. Review status: criteria provided, single submitter. Criteria: CeGaT Center For Human Genetics Tuebingen Variant Classification Criteria Version 2. Collection method: clinical testing. Allele origin: germline. Affected: yes. Observed: 1 variant allele.
Comment: MYH14: BP4, BP7

NM_001145809.2(MYH14):c.4260G>A (p.Ala1420=)

Gene: MYH14 (myosin heavy chain 14; plus strand). Cytogenetic location: 19q13.33.
Variant type: single nucleotide variant.
Coding change: c.4260G>A on transcript NM_001145809.2 (MANE Select); coding-DNA position 4260, G replaced by A.
Protein change: p.Ala1420=; no amino-acid change (alanine 1420 retained).
Molecular consequence: synonymous variant.
Genome position (GRCh38, 1-based): chr19:50,280,353, G>A. VCF-style: chr19-50280353-G-A. GRCh37 (hg19) VCF-style: chr19-50783610-G-A.
Other names: c.4161G>A, p.Ala1387= (NM_001077186.2); c.4137G>A, p.Ala1379= (NM_024729.4).
Identifiers: ClinVar variation 1962046 (VCV001962046.33), dbSNP rs971012911, ClinGen allele CA309574881.